The following is an entry in ClinVar:

NM_003640.5(ELP1):c.2091T>G (p.Ile697Met)

Gene: ELP1 (elongator acetyltransferase complex subunit 1; minus strand). Cytogenetic location: 9q31.3.
Variant type: single nucleotide variant.
Coding change: c.2091T>G on transcript NM_003640.5 (MANE Select); coding-DNA position 2091, T replaced by G.
Protein change: p.Ile697Met; replaces isoleucine 697 with methionine.
Molecular consequence: missense variant.
Genome position (GRCh38, 1-based): chr9:108,900,299, A>C on the plus strand (T>G on the coding strand, the complement: ELP1 is on the minus strand). VCF-style: chr9-108900299-A-C. GRCh37 (hg19) VCF-style: chr9-111662579-A-C.
Other names: c.1749T>G, p.Ile583Met (NM_001318360.2); c.1044T>G, p.Ile348Met (NM_001330749.2); short protein forms I697M, I583M, I348M.
Identifiers: ClinVar variation 2153594 (VCV002153594.2), dbSNP rs369663142, ClinGen allele CA5174777.

ClinVar aggregate classification (germline): Uncertain significance. Review status: criteria provided, multiple submitters, no conflicts (2 of 4 stars). 2 submissions from 2 submitters: Uncertain significance (2). Last evaluated 2026-10-01.

Conditions:
Medulloblastoma (MDB). Also called: Medulloblastoma, somatic; MEDULLOBLASTOMA PREDISPOSITION SYNDROME. Identifiers: Orphanet 616, MedGen C0025149, MeSH D008527, MONDO:0007959, OMIM 155255, HP:0002885.

Allele frequency attached by ClinVar (database versions not stated): ExAC 0.00002; gnomAD 0.00005; TOPMed 0.00006.
gnomAD v4.1: 14 of 1,614,180 alleles (0.00087%); highest among the groups gnomAD compares: African/African-American, 0.015%; no homozygotes.

Submissions (2):

St. Jude Molecular Pathology, St. Jude Children's Research Hospital
Classification: Uncertain significance for Medulloblastoma. Last evaluated: 2026-10-01. Review status: criteria provided, single submitter. Criteria: St. Jude Assertion Criteria 2020. Collection method: clinical testing. Allele origin: germline.
Comment: The ELP1 c.2091T>G p.(Ile697Met) missense change has a maximum subpopulation frequency of 0.02% in gnomAD v2. 1.1. The in silico tool REVEL is inconclusive about a pathogenic or benign effect of this variant on protein function, and to our knowledge functional studies have not been performed. To our knowledge, this variant has not been reported in individuals with medulloblastoma or familial dysautonomia. In summary, the evidence currently available is insufficient to determine the clinical significance of this variant. It has therefore been classified as of uncertain signifi cance.

Labcorp Genetics (formerly Invitae), Labcorp
Classification: Uncertain significance. Last evaluated: 2021-08-27. Review status: criteria provided, single submitter. Criteria: Invitae Variant Classification Sherloc (09022015). Collection method: clinical testing. Allele origin: germline.
Comment: This sequence change replaces isoleucine with methionine at codon 697 of the ELP1 protein (p.Ile697Met). The isoleucine residue is highly conserved and there is a small physicochemical difference between isoleucine and methionine. This variant is present in population databases (rs369663142, ExAC 0.02%). This variant has not been reported in the literature in individuals affected with ELP1-related conditions. Algorithms developed to predict the effect of missense changes on protein structure and function are either unavailable or do not agree on the potential impact of this missense change (SIFT: "Deleterious"; PolyPhen-2: "Probably Damaging"; Align-GVGD: "Class C0"). In summary, the available evidence is currently insufficient to determine the role of this variant in disease. Therefore, it has been classified as a Variant of Uncertain Significance.